The following is an entry in ClinVar:

NM_007078.3(LDB3):c.1741A>C (p.Lys581Gln)

Gene: LDB3 (LIM domain binding 3; plus strand). Cytogenetic location: 10q23.2.
Variant type: single nucleotide variant.
Coding change: c.1741A>C on transcript NM_007078.3 (MANE Select); coding-DNA position 1741, A replaced by C.
Protein change: p.Lys581Gln; replaces lysine 581 with glutamine.
Molecular consequence: missense variant.
Genome position (GRCh38, 1-based): chr10:86,718,028, A>C. VCF-style: chr10-86718028-A-C. GRCh37 (hg19) VCF-style: chr10-88477785-A-C.
Other names: c.1411A>C, p.Lys471Gln (NM_001080114.2); c.1756A>C, p.Lys586Gln (NM_001171610.2); c.1552A>C, p.Lys518Gln (NM_001368064.1, NM_001368065.1); c.1600A>C, p.Lys534Gln (NM_001368066.1); short protein forms K581Q, K534Q, K586Q, K471Q, K518Q.
Identifiers: ClinVar variation 1405720 (VCV001405720.10), dbSNP rs751506530, ClinGen allele CA5585225.

ClinVar aggregate classification (germline): Uncertain significance. Review status: criteria provided, multiple submitters, no conflicts (2 of 4 stars). 3 submissions from 3 submitters: Uncertain significance (3). Last evaluated 2025-12-03.

Conditions:
Myofibrillar myopathy 4. Also called: Zaspopathy (type). Identifiers: Orphanet 98912, MedGen C4721886, MONDO:0012277, OMIM 609452.
Cardiovascular phenotype. Identifiers: MedGen CN230736.

Allele frequency attached by ClinVar (database versions not stated): gnomAD exomes below 0.00001 and 0.00001; ExAC 0.00001.
gnomAD v4.1: 6 of 1,614,206 alleles (0.00037%); highest among the groups gnomAD compares: Middle Eastern, 0.033%; no homozygotes.

Submissions (3):

Labcorp Genetics (formerly Invitae), Labcorp
Classification: Uncertain significance for Myofibrillar myopathy 4. Last evaluated: 2025-12-03. Review status: criteria provided, single submitter. Criteria: Invitae Variant Classification Sherloc (09022015). Collection method: clinical testing. Allele origin: germline.
Comment: The LDB3 gene has multiple clinically relevant transcripts. This variant occurs in alternate transcript NM_007078.3, and corresponds to NM_001080116.1:c.*18654A>C in the primary transcript. This sequence change replaces lysine, which is basic and polar, with glutamine, which is neutral and polar, at codon 581 of the LDB3 protein (p.Lys581Gln). This variant is present in population databases (rs751506530, gnomAD no frequency). This variant has not been reported in the literature in individuals affected with LDB3-related conditions. In summary, the available evidence is currently insufficient to determine the role of this variant in disease. Therefore, it has been classified as a Variant of Uncertain Significance.

Ambry Genetics
Classification: Uncertain significance for Cardiovascular phenotype. Last evaluated: 2025-10-05. Review status: criteria provided, single submitter. Criteria: Ambry Variant Classification Scheme 2023. Collection method: clinical testing. Allele origin: germline.
Comment: The p.K581Q variant (also known as c.1741A>C), located in coding exon 10 of the LDB3 gene, results from an A to C substitution at nucleotide position 1741. The lysine at codon 581 is replaced by glutamine, an amino acid with similar properties. This amino acid position is conserved. In addition, the in silico prediction for this alteration is inconclusive. Since supporting evidence is limited at this time, the clinical significance of this alteration remains unclear.

Clinical Genetics Laboratory, Skane University Hospital Lund
Classification: Uncertain significance. Last evaluated: 2023-01-31. Review status: criteria provided, single submitter. Criteria: ACMG Guidelines, 2015. Collection method: clinical testing. Allele origin: germline. Affected: yes.